The following is an entry in ClinVar:

ClinVar aggregate classification (germline): Pathogenic (1 of 4 stars; one submission).

Submission:

GeneDx
Classification: Pathogenic. Last evaluated: 2025-05-30. Review status: criteria provided, single submitter. Criteria: GeneDx Variant Classification Process June 2021. Collection method: clinical testing. Allele origin: germline. Affected: yes.
Comment: Nonsense variant predicted to result in protein truncation or nonsense mediated decay in a gene for which loss of function is a known mechanism of disease; Not observed at significant frequency in large population cohorts (gnomAD); Has not been previously published as pathogenic or benign to our knowledge

NM_020732.3:c.4381C>T

Gene: ARID1B (AT-rich interaction domain 1B; plus strand).
Variant type: single nucleotide variant.
Other names: c.4381C>T (NM_020732.3).
Identifiers: ClinVar variation 4532367 (VCV004532367.1).